The following is an entry in ClinVar:

ClinVar aggregate classification (germline): Pathogenic (1 of 4 stars; one submission).

Conditions:
Cobalamin C disease. Also called: Cobalamin-C methylmalonic acidemia and homocystinuria; Methylmalonic acidemia and homocystinuria cblC type; Methylmalonic aciduria with homocystinuria cblC type; Methylmalonic aciduria and homocystinuria, Vitamin B12-responsive; Vitamin B12 metabolic defect with combined deficiency of methylmalonyl-CoA mutase and homocysteine:methyltetrahydrofolate methyltransferase; methylmalonic aciduria and homocystinuria type cblC. Identifiers: Orphanet 26, Orphanet 79282, MedGen C1848561, MONDO:0010184, OMIM 277400.

Submission:

Labcorp Genetics (formerly Invitae), Labcorp
Classification: Pathogenic for Cobalamin C disease. Last evaluated: 2024-01-11. Review status: criteria provided, single submitter. Criteria: Invitae Variant Classification Sherloc (09022015). Collection method: clinical testing. Allele origin: unknown.
Comment: This variant is a gross deletion of the genomic region encompassing exon(s) 2-4 of the MMACHC gene, which includes the termination codon. This deletion extends beyond the assayed region for this gene and therefore may encompass additional genes. While this deletion is not anticipated to lead to nonsense mediated decay, it is expected to alter mRNA translation or result in a truncated protein product. A similar copy number variant has been observed in individual(s) with cobalamin C deficiency (PMID: 25388550). This variant disrupts a region of the MMACHC protein in which other variant(s) (p.Trp203*) have been determined to be pathogenic (PMID: 16311595, 20631720, 23954310, 25772322, 27383490, 28327205). This suggests that this is a clinically significant region of the protein, and that variants that disrupt it are likely to be disease-causing. For these reasons, this variant has been classified as Pathogenic.

Literature cited by the submitters: PubMed 25388550; PubMed 16311595; PubMed 20631720; PubMed 23954310; PubMed 25772322; PubMed 27383490; PubMed 28327205.

NC_000001.10:g.(?_45973008)_(45977106_?)del

Genes: MMACHC (metabolism of cobalamin associated C; plus strand), PRDX1 (peroxiredoxin 1; minus strand). Cytogenetic location: 1p34.1.
Variant type: Deletion.
Identifiers: ClinVar variation 3247748 (VCV003247748.1).